The following is an entry in ClinVar:

NM_001349253.2(SCN11A):c.3103A>G (p.Arg1035Gly)

Gene: SCN11A (sodium voltage-gated channel alpha subunit 11; minus strand). Cytogenetic location: 3p22.2.
Variant type: single nucleotide variant.
Coding change: c.3103A>G on transcript NM_001349253.2 (MANE Select); coding-DNA position 3103, A replaced by G.
Protein change: p.Arg1035Gly; replaces arginine 1035 with glycine.
Molecular consequence: missense variant.
Genome position (GRCh38, 1-based): chr3:38,883,349, T>C on the plus strand (A>G on the coding strand, the complement: SCN11A is on the minus strand). VCF-style: chr3-38883349-T-C. GRCh37 (hg19) VCF-style: chr3-38924840-T-C.
Other names: c.3103A>G, p.Arg1035Gly (NM_014139.3); short protein forms R1035G.
Identifiers: ClinVar variation 1714293 (VCV001714293.5), dbSNP rs2470536609, ClinGen allele CA352173207.

ClinVar aggregate classification (germline): Uncertain significance (1 of 4 stars; one submission).

Conditions:
Hereditary sensory and autonomic neuropathy type 7. Also called: HSAN VII; Neuropathy, hereditary sensory and autonomic, type VII. Identifiers: Orphanet 391397, MedGen C3809882, MONDO:0014244, OMIM 615548.
Familial episodic pain syndrome with predominantly lower limb involvement. Also called: Episodic pain syndrome, familial, 3. Identifiers: Orphanet 391384, Orphanet 391392, MedGen C3809899, MONDO:0014247, OMIM 615552.

Allele frequency attached by ClinVar (database versions not stated): gnomAD exomes below 0.00001.
gnomAD v4.1: 1 of 1,614,086 alleles (0.000062%); highest among the groups gnomAD compares: East Asian, 0.0022%; no homozygotes.

Submission:

Labcorp Genetics (formerly Invitae), Labcorp
Classification: Uncertain significance for Familial episodic pain syndrome with predominantly lower limb involvement; Hereditary sensory and autonomic neuropathy type 7. Last evaluated: 2022-07-29. Review status: criteria provided, single submitter. Criteria: Invitae Variant Classification Sherloc (09022015). Collection method: clinical testing. Allele origin: germline.
Comment: This sequence change replaces arginine, which is basic and polar, with glycine, which is neutral and non-polar, at codon 1035 of the SCN11A protein (p.Arg1035Gly). This variant is not present in population databases (gnomAD no frequency). This variant has not been reported in the literature in individuals affected with SCN11A-related conditions. Algorithms developed to predict the effect of missense changes on protein structure and function output the following: SIFT: "Deleterious"; PolyPhen-2: "Benign"; Align-GVGD: "Class C0". The glycine amino acid residue is found in multiple mammalian species, which suggests that this missense change does not adversely affect protein function. Algorithms developed to predict the effect of sequence changes on RNA splicing suggest that this variant may disrupt the consensus splice site. In summary, the available evidence is currently insufficient to determine the role of this variant in disease. Therefore, it has been classified as a Variant of Uncertain Significance.